The following is an entry in ClinVar:

ClinVar aggregate classification (germline): Pathogenic. Review status: criteria provided, multiple submitters, no conflicts (2 of 4 stars). 2 submissions from 2 submitters: Pathogenic (2). Last evaluated 2025-09-21.

Submissions (2):

Labcorp Genetics (formerly Invitae), Labcorp
Classification: Pathogenic. Last evaluated: 2025-09-21. Review status: criteria provided, single submitter. Criteria: Invitae Variant Classification Sherloc (09022015). Collection method: clinical testing. Allele origin: germline.
Comment: This sequence change creates a premature translational stop signal (p.Pro581Leufs*48) in the COL2A1 gene. It is expected to result in an absent or disrupted protein product. Loss-of-function variants in COL2A1 are known to be pathogenic (PMID: 20179744). This variant is not present in population databases (gnomAD no frequency). This variant has not been reported in the literature in individuals affected with COL2A1-related conditions. ClinVar contains an entry for this variant (Variation ID: 1211404). For these reasons, this variant has been classified as Pathogenic.

GeneDx
Classification: Pathogenic. Last evaluated: 2019-10-01. Review status: criteria provided, single submitter. Criteria: GeneDx Variant Classification Process June 2021. Collection method: clinical testing. Allele origin: germline. Affected: yes.
Comment: Has not been previously published as pathogenic or benign to our knowledge; Not observed in large population cohorts (Lek et al., 2016); Frameshift variant predicted to result in protein truncation or nonsense mediated decay in a gene for which loss-of-function is a known mechanism of disease

Literature cited by the submitters: PubMed 20179744 (cited by Labcorp Genetics (formerly Invitae), Labcorp).

NM_001844.5(COL2A1):c.1742del (p.Pro581fs)

Gene: COL2A1 (collagen type II alpha 1 chain; minus strand). Cytogenetic location: 12q13.11.
Variant type: Deletion.
Coding change: c.1742del on transcript NM_001844.5 (MANE Select); coding-DNA position 1742, one base deleted (C; older notation c.1742delC).
Protein change: p.Pro581fs; shifts the reading frame from proline 581.
Molecular consequence: frameshift variant.
Genome position (GRCh38, 1-based): chr12:47,985,086, G deleted on the plus strand (C on the coding strand, the reverse complement: COL2A1 is on the minus strand); the first of 4 consecutive G bases (chr12:47,985,086-47,985,089); deleting any one gives the same sequence. VCF-style (leftmost placement, unchanged base first): chr12-47985085-AG-A. GRCh37 (hg19) VCF-style: chr12-48378868-AG-A.
Other names: c.1535del, p.Pro512fs (NM_033150.3); short protein forms P512fs, P581fs.
Identifiers: ClinVar variation 1211404 (VCV001211404.8), dbSNP rs2136564400, ClinGen allele CA2499221670.